The following is an entry in ClinVar:

ClinVar aggregate classification (germline): Uncertain significance. Review status: criteria provided, multiple submitters, no conflicts (2 of 4 stars). 2 submissions from 2 submitters: Uncertain significance (2). Last evaluated 2025-10-21.

Conditions:
Inborn genetic diseases. Identifiers: MedGen C0950123, MeSH D030342.
Ullrich congenital muscular dystrophy 2 (UCMD2). Identifiers: Orphanet 75840, MedGen C4225314, MONDO:0014654, OMIM 616470.
Bethlem myopathy 2 (BTHLM2). Identifiers: Orphanet 536516, Orphanet 610, MedGen C4225313, MONDO:0034022, OMIM 616471.

Allele frequency attached by ClinVar (database versions not stated): gnomAD exomes 0.00003 and below 0.00001; TOPMed 0.00002; ExAC 0.00001; gnomAD 0.00001.

Submissions (2):

Labcorp Genetics (formerly Invitae), Labcorp
Classification: Uncertain significance for Bethlem myopathy 2; Ullrich congenital muscular dystrophy 2. Last evaluated: 2025-10-21. Review status: criteria provided, single submitter. Criteria: Invitae Variant Classification Sherloc (09022015). Collection method: clinical testing. Allele origin: germline.
Comment: This sequence change replaces threonine, which is neutral and polar, with isoleucine, which is neutral and non-polar, at codon 1770 of the COL12A1 protein (p.Thr1770Ile). This variant is present in population databases (rs201205563, gnomAD 0.0009%). This variant has not been reported in the literature in individuals affected with COL12A1-related conditions. ClinVar contains an entry for this variant (Variation ID: 1006896). Invitae Evidence Modeling of protein sequence and biophysical properties (such as structural, functional, and spatial information, amino acid conservation, physicochemical variation, residue mobility, and thermodynamic stability) has been performed for this missense variant. However, the output from this modeling did not meet the statistical confidence thresholds required to predict the impact of this variant on COL12A1 protein function. In summary, the available evidence is currently insufficient to determine the role of this variant in disease. Therefore, it has been classified as a Variant of Uncertain Significance.

Ambry Genetics
Classification: Uncertain significance for Inborn genetic diseases. Last evaluated: 2024-09-30. Review status: criteria provided, single submitter. Criteria: Ambry Variant Classification Scheme 2023. Collection method: clinical testing. Allele origin: germline.

NM_004370.6(COL12A1):c.5309C>T (p.Thr1770Ile)

Gene: COL12A1 (collagen type XII alpha 1 chain; minus strand). Cytogenetic location: 6q13.
Variant type: single nucleotide variant.
Coding change: c.5309C>T on transcript NM_004370.6 (MANE Select); coding-DNA position 5309, C replaced by T.
Protein change: p.Thr1770Ile; replaces threonine 1770 with isoleucine.
Molecular consequence: missense variant.
Genome position (GRCh38, 1-based): chr6:75,137,522, G>A on the plus strand (C>T on the coding strand, the complement: COL12A1 is on the minus strand). VCF-style: chr6-75137522-G-A. GRCh37 (hg19) VCF-style: chr6-75847238-G-A.
Other names: c.5309C>T (NM_004370.5); c.1817C>T, p.Thr606Ile (NM_080645.3); short protein forms T1770I, T606I.
Identifiers: ClinVar variation 1006896 (VCV001006896.10), dbSNP rs201205563, ClinGen allele CA3893165.